The following is an entry in ClinVar:

NM_000551.4(VHL):c.*1867A>G

Genes: VHL (von Hippel-Lindau tumor suppressor; plus strand), LOC107303340 (3p25 von Hippel-Lindau tumor suppressor, E3 ubiquitin protein ligase Alu-mediated recombination region; plus strand). Cytogenetic location: 3p25.3.
Variant type: single nucleotide variant.
Coding change: c.*1867A>G on transcript NM_000551.4 (MANE Select); 1867 bases downstream of the stop codon, A replaced by G.
Molecular consequence: 3 prime UTR variant.
Genome position (GRCh38, 1-based): chr3:10,151,832, A>G. VCF-style: chr3-10151832-A-G. GRCh37 (hg19) VCF-style: chr3-10193516-A-G.
Other names: c.*2063A>G (NM_001354723.2); c.*1867A>G (NM_198156.3).
Identifiers: ClinVar variation 342452 (VCV000342452.5), dbSNP rs566885734, ClinGen allele CA10614410.
Genomic context (GRCh38, chr3:10,151,832, plus strand): 5'-AATGAGAGTGACGGCTGGCATGGTGGCTCCCGCCTGTAATCCCAGTACTTTGGAAAGCCA[A>G]GGTAAGAGGATTGCTTGAGCCCAGAACTTCAAGATGAGCCTGGGCTCATAGTGAGAACCC-3'

ClinVar aggregate classification (germline): Benign (1 of 4 stars; one submission).

Conditions:
Von Hippel-Lindau syndrome (VHLS). Also called: Von Hippel-Lindau; von Hippel–Lindau syndrome; VHL syndrome. Identifiers: Orphanet 892, MedGen C0019562, MONDO:0008667, OMIM 193300. Disease mechanism: loss of function.

Allele frequency attached by ClinVar (database versions not stated): gnomAD 0.00014 and 0.00017; gnomAD exomes 0.00015; TOPMed 0.00018; 1000 Genomes Project 0.00040; 1000 Genomes Project 30x 0.00047.
gnomAD v4.1: 35 of 195,118 alleles (0.018%); highest among the groups gnomAD compares: South Asian, 0.14%; no homozygotes.

Submission:

Illumina Laboratory Services, Illumina
Classification: Benign for Von Hippel-Lindau syndrome. Last evaluated: 2018-01-12. Review status: criteria provided, single submitter. Criteria: ICSL Variant Classification Criteria 13 December 2019. Collection method: clinical testing. Allele origin: germline.
Comment: This variant was observed in the ICSL laboratory as part of a predisposition screen in an ostensibly healthy population. It had not been previously curated by ICSL or reported in the Human Gene Mutation Database (HGMD: prior to June 1st, 2018), and was therefore a candidate for classification through an automated scoring system. Utilizing variant allele frequency, disease prevalence and penetrance estimates, and inheritance mode, an automated score was calculated to assess if this variant is too frequent to cause the disease. Based on the score and internal cut-off values, a variant classified as benign is not then subjected to further curation. The score for this variant resulted in a classification of benign for this disease.